The following is an entry in ClinVar:

ClinVar aggregate classification (germline): Uncertain significance (1 of 4 stars; one submission).

Conditions:
Pheochromocytoma. Also called: MAX-Related Hereditary Paraganglioma-Pheochromocytoma Syndrome. Identifiers: Orphanet 29072, MedGen C0031511, MONDO:0008233, OMIM 171300, HP:0002666.
Pheochromocytoma/paraganglioma syndrome 4. Also called: CAROTID BODY TUMORS AND MULTIPLE EXTRAADRENAL PHEOCHROMOCYTOMAS; PARAGANGLIOMA, FAMILIAL MALIGNANT; PARAGANGLIOMAS, HEREDITARY EXTRAADRENAL; PHEOCHROMOCYTOMA, FAMILIAL EXTRAADRENAL; Paragangliomas 4; SDHB-Related Hereditary Paraganglioma-Pheochromocytoma Syndrome (Paragangliomas 4). Identifiers: Orphanet 29072, MedGen C1861848, MONDO:0007273, OMIM 115310.
Gastrointestinal stromal tumor. Also called: Gastrointestinal stromal tumor, somatic; Gastrointestinal stroma tumor. Identifiers: Orphanet 44890, MedGen C0238198, MeSH D046152, MONDO:0011719, OMIM 606764, HP:0100723.

Submission:

Labcorp Genetics (formerly Invitae), Labcorp
Classification: Uncertain significance for Gastrointestinal stromal tumor; Pheochromocytoma/paraganglioma syndrome 4; Pheochromocytoma. Last evaluated: 2024-12-30. Review status: criteria provided, single submitter. Criteria: Invitae Variant Classification Sherloc (09022015). Collection method: clinical testing. Allele origin: germline.
Comment: This sequence change replaces threonine, which is neutral and polar, with proline, which is neutral and non-polar, at codon 245 of the SDHB protein (p.Thr245Pro). This variant is not present in population databases (gnomAD no frequency). This variant has not been reported in the literature in individuals affected with SDHB-related conditions. Invitae Evidence Modeling of protein sequence and biophysical properties (such as structural, functional, and spatial information, amino acid conservation, physicochemical variation, residue mobility, and thermodynamic stability) indicates that this missense variant is expected to disrupt SDHB protein function with a positive predictive value of 80%. In summary, the available evidence is currently insufficient to determine the role of this variant in disease. Therefore, it has been classified as a Variant of Uncertain Significance.

NM_003000.3(SDHB):c.733A>C (p.Thr245Pro)

Gene: SDHB (succinate dehydrogenase complex iron sulfur subunit B; minus strand). Cytogenetic location: 1p36.13.
Variant type: single nucleotide variant.
Coding change: c.733A>C on transcript NM_003000.3 (MANE Select); coding-DNA position 733, A replaced by C.
Protein change: p.Thr245Pro; replaces threonine 245 with proline.
Molecular consequence: missense variant.
Genome position (GRCh38, 1-based): chr1:17,022,640, T>G on the plus strand (A>C on the coding strand, the complement: SDHB is on the minus strand). VCF-style: chr1-17022640-T-G. GRCh37 (hg19) VCF-style: chr1-17349135-T-G.
Other names: c.679A>C, p.Thr227Pro (NM_001407361.1); short protein forms T227P, T245P.
Identifiers: ClinVar variation 3758207 (VCV003758207.2).